The following is an entry in ClinVar:

ClinVar aggregate classification (germline): Likely pathogenic (1 of 4 stars; one submission).

Submission:

Labcorp Genetics (formerly Invitae), Labcorp
Classification: Likely pathogenic. Last evaluated: 2024-02-10. Review status: criteria provided, single submitter. Criteria: Invitae Variant Classification Sherloc (09022015). Collection method: clinical testing. Allele origin: germline.
Comment: This sequence change affects a donor splice site in intron 4 of the COL4A5 gene. It is expected to disrupt RNA splicing. Variants that disrupt the donor or acceptor splice site typically lead to a loss of protein function (PMID: 16199547), and loss-of-function variants in COL4A5 are known to be pathogenic (PMID: 9195222, 10752524, 14514738, 24854265, 26809805). This variant is not present in population databases (gnomAD no frequency). This variant has not been reported in the literature in individuals affected with COL4A5-related conditions. Algorithms developed to predict the effect of sequence changes on RNA splicing suggest that this variant may disrupt the consensus splice site. In summary, the currently available evidence indicates that the variant is pathogenic, but additional data are needed to prove that conclusively. Therefore, this variant has been classified as Likely Pathogenic.

Literature cited by the submitters: PubMed 16199547; PubMed 9195222; PubMed 10752524; PubMed 14514738; PubMed 24854265; PubMed 26809805.

NM_033380.3(COL4A5):c.276+1G>C

Gene: COL4A5 (collagen type IV alpha 5 chain; plus strand). Cytogenetic location: Xq22.3.
Variant type: single nucleotide variant.
Coding change: c.276+1G>C on transcript NM_033380.3 (MANE Select); the canonical splice donor site of the intron after coding-DNA position 276, G replaced by C.
Molecular consequence: splice donor variant.
Genome position (GRCh38, 1-based): chrX:108,563,927, G>C. VCF-style: chrX-108563927-G-C. GRCh37 (hg19) VCF-style: chrX-107807157-G-C.
Other names: c.276+1G>C (NM_000495.5).
Identifiers: ClinVar variation 3640072 (VCV003640072.2).